The following is an entry in ClinVar:

ClinVar aggregate classification (germline): Likely pathogenic. Review status: reviewed by expert panel (3 of 4 stars). 2 submissions from 2 submitters: Likely pathogenic (1). 1 of the submissions does not count toward it. Last evaluated 2020-04-13.

Conditions:
Phenylketonuria (PKU). Also called: Phenylketonuria (PKU); FOLLING DISEASE; OLIGOPHRENIA PHENYLPYRUVICA; Phenylketonurias. Identifiers: Orphanet 716, MedGen C0031485, MONDO:0009861, OMIM 261600. Disease mechanism: loss of function.

Submissions (2):

ClinGen PAH Variant Curation Expert Panel
Classification: Likely pathogenic for Phenylketonuria. Last evaluated: 2020-04-13. Review status: reviewed by expert panel. Criteria: ClinGen PAH ACMG Specifications v1. Collection method: curation. Allele origin: germline. Inheritance: Autosomal recessive inheritance.
Comment: The c.1046C>A (p.Ser349Ter) variant in PAH is a null variant (nonsense variant) in exon 10 of 13 in a gene where LOF is a known mechanism of disease, leading to premature truncation and NMD (PVS1). It is absent from ethnically diverse control databases, including gnomAD/ExAC, 1000 Genomes, and ESP (PM2). It has previously been reported in one classic PKU case per the BioPKU database (PMID: 24939588), without additional information. Classification: Likely Pathogenic Supporting criteria: PVS1, PM2

DeBelle Laboratory for Biochemical Genetics, MUHC/MCH RESEARCH INSTITUTE
No classification provided. Review status: no classification provided. Collection method: not provided. Allele origin: not provided. Not counted in ClinVar's aggregate classification.

NM_000277.3(PAH):c.1046C>A (p.Ser349Ter)

Gene: PAH (phenylalanine hydroxylase; minus strand). Cytogenetic location: 12q23.2.
Variant type: single nucleotide variant.
Coding change: c.1046C>A on transcript NM_000277.3 (MANE Select); coding-DNA position 1046, C replaced by A.
Protein change: p.Ser349Ter; replaces serine 349 with a stop codon.
Molecular consequence: nonsense.
Genome position (GRCh38, 1-based): chr12:102,844,355, G>T on the plus strand (C>A on the coding strand, the complement: PAH is on the minus strand). VCF-style: chr12-102844355-G-T. GRCh37 (hg19) VCF-style: chr12-103238133-G-T.
Other names: c.1046C>A, p.Ser349Ter (NM_001354304.2); short protein forms S349*.
Identifiers: ClinVar variation 102491 (VCV000102491.2), dbSNP rs62507279, ClinGen allele CA229300.
Genomic context (GRCh38, chr12:102,844,355, plus strand): 5'-ACCACTTTTAAATCTATCCTTGGTTCCTGTGAAGGTCATACCTGTAATTCACCAAAGGAT[G>T]ACAGGAGCCCAGCACCATATGCCTTTATGGAGTCTCCTTGTTTGCAGAGCCCAAACTCCA-3'